The following is an entry in ClinVar:

NM_001369.3(DNAH5):c.6325C>T (p.Pro2109Ser)

Gene: DNAH5 (dynein axonemal heavy chain 5; minus strand). Cytogenetic location: 5p15.2.
Variant type: single nucleotide variant.
Coding change: c.6325C>T on transcript NM_001369.3 (MANE Select); coding-DNA position 6325, C replaced by T.
Protein change: p.Pro2109Ser; replaces proline 2109 with serine.
Molecular consequence: missense variant.
Genome position (GRCh38, 1-based): chr5:13,829,629, G>A on the plus strand (C>T on the coding strand, the complement: DNAH5 is on the minus strand). VCF-style: chr5-13829629-G-A. GRCh37 (hg19) VCF-style: chr5-13829738-G-A.
Other names: short protein forms P2109S.
Identifiers: ClinVar variation 2817607 (VCV002817607.3), dbSNP rs2546876138, ClinGen allele CA359200206.

ClinVar aggregate classification (germline): Uncertain significance (1 of 4 stars; one submission).

Conditions:
Primary ciliary dyskinesia. Also called: Ciliary dyskinesia. Identifiers: Orphanet 244, MedGen C0008780, MONDO:0016575, HP:0012265.

Submission:

Labcorp Genetics (formerly Invitae), Labcorp
Classification: Uncertain significance for Primary ciliary dyskinesia. Last evaluated: 2023-04-22. Review status: criteria provided, single submitter. Criteria: Invitae Variant Classification Sherloc (09022015). Collection method: clinical testing. Allele origin: germline.
Comment: In summary, the available evidence is currently insufficient to determine the role of this variant in disease. Therefore, it has been classified as a Variant of Uncertain Significance. Advanced modeling of protein sequence and biophysical properties (such as structural, functional, and spatial information, amino acid conservation, physicochemical variation, residue mobility, and thermodynamic stability) has been performed at Invitae for this missense variant, however the output from this modeling did not meet the statistical confidence thresholds required to predict the impact of this variant on DNAH5 protein function. This missense change has been observed in individual(s) with clinical features of primary ciliary dyskinesia (Invitae). This variant is not present in population databases (gnomAD no frequency). This sequence change replaces proline, which is neutral and non-polar, with serine, which is neutral and polar, at codon 2109 of the DNAH5 protein (p.Pro2109Ser).